The following is an entry in ClinVar:

NM_000444.6(PHEX):c.1135A>G (p.Ser379Gly)

Gene: PHEX (phosphate regulating endopeptidase X-linked; plus strand). Cytogenetic location: Xp22.11.
Variant type: single nucleotide variant.
Coding change: c.1135A>G on transcript NM_000444.6 (MANE Select); coding-DNA position 1135, A replaced by G.
Protein change: p.Ser379Gly; replaces serine 379 with glycine.
Molecular consequence: missense variant.
Genome position (GRCh38, 1-based): chrX:22,111,522, A>G. VCF-style: chrX-22111522-A-G. GRCh37 (hg19) VCF-style: chrX-22129640-A-G.
Other names: c.1135A>G, p.Ser379Gly (NM_001282754.2); short protein forms S379G.
Identifiers: ClinVar variation 4086397 (VCV004086397.1).

ClinVar aggregate classification (germline): Uncertain significance (1 of 4 stars; one submission).

Submission:

GeneDx
Classification: Uncertain significance. Last evaluated: 2025-03-20. Review status: criteria provided, single submitter. Criteria: GeneDx Variant Classification Process June 2021. Collection method: clinical testing. Allele origin: germline. Affected: yes.
Comment: Not observed at significant frequency in large population cohorts (gnomAD); In silico analysis supports that this missense variant has a deleterious effect on protein structure/function; Has not been previously published as pathogenic or benign to our knowledge